The following is an entry in ClinVar:

ClinVar aggregate classification (germline): Uncertain significance. Review status: criteria provided, multiple submitters, no conflicts (2 of 4 stars). 3 submissions from 3 submitters: Uncertain significance (3). Last evaluated 2025-10-07.

Conditions:
Inborn genetic diseases. Identifiers: MedGen C0950123, MeSH D030342.

Allele frequency attached by ClinVar (database versions not stated): 1000 Genomes Project 0.00020; 1000 Genomes Project 30x 0.00031; gnomAD 0.00009 and 0.00011; gnomAD exomes 0.00009; ESP Exome Variant Server 0.00008; TOPMed 0.00014; ExAC 0.00008.
gnomAD v4.1: 65 of 1,614,244 alleles (0.004%); highest among the groups gnomAD compares: Admixed American, 0.038%; no homozygotes.

Submissions (3):

Ambry Genetics
Classification: Uncertain significance for Inborn genetic diseases. Last evaluated: 2025-10-07. Review status: criteria provided, single submitter. Criteria: Ambry Variant Classification Scheme 2023. Collection method: clinical testing. Allele origin: germline.

Labcorp Genetics (formerly Invitae), Labcorp
Classification: Uncertain significance. Last evaluated: 2022-07-05. Review status: criteria provided, single submitter. Criteria: Invitae Variant Classification Sherloc (09022015). Collection method: clinical testing. Allele origin: germline.
Comment: This sequence change replaces threonine, which is neutral and polar, with methionine, which is neutral and non-polar, at codon 773 of the LRRK1 protein (p.Thr773Met). This variant is present in population databases (rs377308921, gnomAD 0.04%). This variant has not been reported in the literature in individuals affected with LRRK1-related conditions. ClinVar contains an entry for this variant (Variation ID: 1481880). Algorithms developed to predict the effect of missense changes on protein structure and function are either unavailable or do not agree on the potential impact of this missense change (SIFT: "Tolerated"; PolyPhen-2: "Probably Damaging"; Align-GVGD: "Class C0"). In summary, the available evidence is currently insufficient to determine the role of this variant in disease. Therefore, it has been classified as a Variant of Uncertain Significance.

Breakthrough Genomics
Classification: Uncertain significance. Review status: criteria provided, single submitter. Criteria: ACMG Guidelines, 2015. Collection method: not provided. Allele origin: germline. Inheritance: Autosomal recessive inheritance. Affected: yes.

NM_024652.6(LRRK1):c.2318C>T (p.Thr773Met)

Gene: LRRK1 (leucine rich repeat kinase 1; plus strand). Cytogenetic location: 15q26.3.
Variant type: single nucleotide variant.
Coding change: c.2318C>T on transcript NM_024652.6 (MANE Select); coding-DNA position 2318, C replaced by T.
Protein change: p.Thr773Met; replaces threonine 773 with methionine.
Molecular consequence: missense variant.
Genome position (GRCh38, 1-based): chr15:101,026,050, C>T. VCF-style: chr15-101026050-C-T. GRCh37 (hg19) VCF-style: chr15-101566255-C-T.
Other names: c.2318C>T (NM_024652.3); short protein forms T773M.
Identifiers: ClinVar variation 1481880 (VCV001481880.10), dbSNP rs377308921, ClinGen allele CA7761190.
Genomic context (GRCh38, chr15:101,026,050, plus strand): 5'-TGGTGGTCGGGACGCACCTGGATTTAATTGAAGCCAAGTTCCGTGTGGAAAGGATTGCAA[C>T]GCTGCGTGCCTATGTGCTGGCACTCTGCCGCTCCCCCTCCGGCTCCAGGGCCACAGGCTT-3'
Protein context (NP_078928.3, residues 763-783): EAKFRVERIA[Thr773Met]LRAYVLALCR